The following is an entry in ClinVar:

ClinVar aggregate classification (germline): Uncertain significance (1 of 4 stars; one submission).

Allele frequency attached by ClinVar (database versions not stated): gnomAD exomes below 0.00001.
gnomAD v4.1: 1 of 1,209,057 alleles (0.000083%); highest among the groups gnomAD compares: Non-Finnish European, 0.00011%; no homozygotes.

Submission:

CeGaT Center for Human Genetics Tuebingen
Classification: Uncertain significance. Last evaluated: 2022-11-01. Review status: criteria provided, single submitter. Criteria: CeGaT Center For Human Genetics Tuebingen Variant Classification Criteria Version 2. Collection method: clinical testing. Allele origin: germline. Affected: yes. Observed: 1 variant allele.
Comment: LAMP2: PM2, BP4

NM_002294.3(LAMP2):c.1093+2503G>A

Gene: LAMP2 (lysosome associated membrane protein 2; minus strand). Cytogenetic location: Xq24.
Variant type: single nucleotide variant.
Coding change: c.1093+2503G>A on transcript NM_002294.3 (MANE Select); 2503 bases into the intron after coding-DNA position 1093, G replaced by A.
Molecular consequence: intron variant. On other transcripts: missense variant (1).
Genome position (GRCh38, 1-based): chrX:120,439,227, C>T on the plus strand (G>A on the coding strand, the complement: LAMP2 is on the minus strand). VCF-style: chrX-120439227-C-T. GRCh37 (hg19) VCF-style: chrX-119573082-C-T.
Other names: c.1160G>A, p.Gly387Asp (NM_013995.2); c.1093+2503G>A (NM_001122606.1); short protein forms G387D.
Identifiers: ClinVar variation 2661328 (VCV002661328.24), dbSNP rs2520850007, ClinGen allele CA414399036.
Genomic context (GRCh38, chrX:120,439,227, plus strand): 5'-TATCCAGCATAACTTTTTCTTCTGCCAATTACGTAAGCAATCACTATAACGATAATCAAG[C>T]CTGAAAGACCAGCACCAACTATAATTGGGATTAGAATGGTGTCATCATCCAGCGAACACT-3'